The following is an entry in ClinVar:

NM_022047.4(DEF6):c.1093_1094delinsTT (p.Glu365Leu)

Gene: DEF6 (DEF6 guanine nucleotide exchange factor; plus strand). Cytogenetic location: 6p21.31.
Variant type: Indel.
Coding change: c.1093_1094delinsTT on transcript NM_022047.4 (MANE Select); coding-DNA positions 1093 to 1094, GA replaced by TT.
Protein change: p.Glu365Leu; replaces glutamic acid 365 with leucine.
Molecular consequence: missense variant.
Genome position (GRCh38, 1-based): chr6:35,318,349-35,318,350, GA replaced by TT. VCF-style: chr6-35318349-GA-TT. GRCh37 (hg19) VCF-style: chr6-35286126-GA-TT.
Other names: short protein forms E365L.
Identifiers: ClinVar variation 2192902 (VCV002192902.1), dbSNP rs2534189781, ClinGen allele CA2580074418.

ClinVar aggregate classification (germline): Uncertain significance (1 of 4 stars; one submission).

Submission:

Labcorp Genetics (formerly Invitae), Labcorp
Classification: Uncertain significance. Last evaluated: 2022-08-01. Review status: criteria provided, single submitter. Criteria: Invitae Variant Classification Sherloc (09022015). Collection method: clinical testing. Allele origin: germline.
Comment: This sequence change replaces glutamic acid, which is acidic and polar, with leucine, which is neutral and non-polar, at codon 365 of the DEF6 protein (p.Glu365Leu). This variant is present in population databases (no rsID available, gnomAD 0.2%). This variant has not been reported in the literature in individuals affected with DEF6-related conditions. Algorithms developed to predict the effect of missense changes on protein structure and function are either unavailable or do not agree on the potential impact of this missense change (SIFT: "Not Available"; PolyPhen-2: "Benign"; Align-GVGD: "Not Available"). In summary, the available evidence is currently insufficient to determine the role of this variant in disease. Therefore, it has been classified as a Variant of Uncertain Significance.